The following is an entry in ClinVar:

NM_006231.4(POLE):c.3332G>A (p.Arg1111Gln)

Gene: POLE (DNA polymerase epsilon, catalytic subunit; minus strand). Cytogenetic location: 12q24.33.
Variant type: single nucleotide variant.
Coding change: c.3332G>A on transcript NM_006231.4 (MANE Select); coding-DNA position 3332, G replaced by A.
Protein change: p.Arg1111Gln; replaces arginine 1111 with glutamine.
Molecular consequence: missense variant.
Genome position (GRCh38, 1-based): chr12:132,657,914, C>T on the plus strand (G>A on the coding strand, the complement: POLE is on the minus strand). VCF-style: chr12-132657914-C-T. GRCh37 (hg19) VCF-style: chr12-133234500-C-T.
Other names: short protein forms R1111Q.
Identifiers: ClinVar variation 405761 (VCV000405761.12), dbSNP rs114315196, ClinGen allele CA6893275.
Genomic context (GRCh38, chr12:132,657,914, plus strand): 5'-CAACTGGCACTCACTGCTCGAATATCAAAGTCTTGAAGGGAAGAGCTCTTGAGCCATTTC[C>T]GGAGAAAGTGCTTCCTCACCGTGGGCTCTGCTTGGAAAATGGCAAGTGGGATGGCCCTGG-3'
Protein context (NP_006222.2, residues 1101-1121): AEPTVRKHFL[Arg1111Gln]KWLKSSSLQD

ClinVar aggregate classification (germline): Uncertain significance. Review status: criteria provided, multiple submitters, no conflicts (2 of 4 stars). 3 submissions from 3 submitters: Uncertain significance (3). Last evaluated 2026-01-26.

Conditions:
Hereditary cancer-predisposing syndrome. Also called: Hereditary Cancer Syndrome; Hereditary neoplastic syndrome; Neoplastic Syndromes, Hereditary; Tumor predisposition. Identifiers: Orphanet 140162, MedGen C0027672, MeSH D009386, MONDO:0015356.

Allele frequency attached by ClinVar (database versions not stated): TOPMed 0.00003; 1000 Genomes Project 30x 0.00031; 1000 Genomes Project 0.00040.
gnomAD v4.1: 57 of 1,614,138 alleles (0.0035%); highest among the groups gnomAD compares: Non-Finnish European, 0.0041%; no homozygotes.

Submissions (3):

Labcorp Genetics (formerly Invitae), Labcorp
Classification: Uncertain significance. Last evaluated: 2026-01-26. Review status: criteria provided, single submitter. Criteria: Invitae Variant Classification Sherloc (09022015). Collection method: clinical testing. Allele origin: germline.
Comment: This sequence change replaces arginine, which is basic and polar, with glutamine, which is neutral and polar, at codon 1111 of the POLE protein (p.Arg1111Gln). This variant is present in population databases (rs114315196, gnomAD 0.009%). This variant has not been reported in the literature in individuals affected with POLE-related conditions. ClinVar contains an entry for this variant (Variation ID: 405761). Invitae Evidence Modeling of protein sequence and biophysical properties (such as structural, functional, and spatial information, amino acid conservation, physicochemical variation, residue mobility, and thermodynamic stability) indicates that this missense variant is not expected to disrupt POLE protein function with a negative predictive value of 80%. In summary, the available evidence is currently insufficient to determine the role of this variant in disease. Therefore, it has been classified as a Variant of Uncertain Significance.

Ambry Genetics
Classification: Uncertain significance for Hereditary cancer-predisposing syndrome. Last evaluated: 2024-12-23. Review status: criteria provided, single submitter. Criteria: Ambry Variant Classification Scheme 2023. Collection method: clinical testing. Allele origin: germline.
Comment: The p.R1111Q variant (also known as c.3332G>A), located in coding exon 27 of the POLE gene, results from a G to A substitution at nucleotide position 3332. The arginine at codon 1111 is replaced by glutamine, an amino acid with highly similar properties. This amino acid position is highly conserved in available vertebrate species. In addition, the in silico prediction for this alteration is inconclusive. Based on the available evidence, the clinical significance of this variant remains unclear.

GeneDx
Classification: Uncertain significance. Last evaluated: 2022-05-16. Review status: criteria provided, single submitter. Criteria: GeneDx Variant Classification Process June 2021. Collection method: clinical testing. Allele origin: germline. Affected: yes.
Comment: In silico analysis supports that this missense variant has a deleterious effect on protein structure/function; Has not been previously published as pathogenic or benign to our knowledge